The following is an entry in ClinVar:

NM_001614.5(ACTG1):c.702T>C (p.Ser234=)

Gene: ACTG1 (actin gamma 1; minus strand). Cytogenetic location: 17q25.3.
Variant type: single nucleotide variant.
Coding change: c.702T>C on transcript NM_001614.5 (MANE Select); coding-DNA position 702, T replaced by C.
Protein change: p.Ser234=; no amino-acid change (serine 234 retained).
Molecular consequence: synonymous variant. On other transcripts: non-coding transcript variant (1).
Genome position (GRCh38, 1-based): chr17:81,511,288, A>G on the plus strand (T>C on the coding strand, the complement: ACTG1 is on the minus strand). VCF-style: chr17-81511288-A-G. GRCh37 (hg19) VCF-style: chr17-79478314-A-G.
Other names: c.702T>C, p.Ser234= (NM_001199954.3).
Identifiers: ClinVar variation 1879387 (VCV001879387.29), dbSNP rs1568061170, ClinGen allele CA502419367.
Genomic context (GRCh38, chr17:81,511,288, plus strand): 5'-CCGCTCATTGCCAATGGTGATGACCTGGCCATCGGGCAGCTCGTAGCTCTTCTCCAGAGA[A>G]GAGGAGGATGCGGCGGTGGCCATCTCCTGCTCGAAGTCCAGGGCGACGTAGCACAGCTTC-3'
Protein context (NP_001605.1, residues 224-244): EQEMATAASS[Ser234=]SLEKSYELPD

ClinVar aggregate classification (germline): Likely benign (1 of 4 stars; one submission).

gnomAD v4.1: 2 of 1,613,836 alleles (0.00012%); highest among the groups gnomAD compares: African/African-American, 0.0013%; no homozygotes.

Submission:

CeGaT Center for Human Genetics Tuebingen
Classification: Likely benign. Last evaluated: 2022-10-01. Review status: criteria provided, single submitter. Criteria: CeGaT Center For Human Genetics Tuebingen Variant Classification Criteria Version 2. Collection method: clinical testing. Allele origin: germline. Affected: yes. Observed: 1 variant allele.
Comment: ACTG1: PM2:Supporting, BP4, BP7